The following is an entry in ClinVar:

NM_001903.5(CTNNA1):c.1981G>A (p.Asp661Asn)

Gene: CTNNA1 (catenin alpha 1; plus strand). Cytogenetic location: 5q31.2.
Variant type: single nucleotide variant.
Coding change: c.1981G>A on transcript NM_001903.5 (MANE Select); coding-DNA position 1981, G replaced by A.
Protein change: p.Asp661Asn; replaces aspartic acid 661 with asparagine.
Molecular consequence: missense variant.
Genome position (GRCh38, 1-based): chr5:138,929,327, G>A. VCF-style: chr5-138929327-G-A. GRCh37 (hg19) VCF-style: chr5-138265016-G-A.
Other names: c.871G>A, p.Asp291Asn (NM_001324004.1, NM_001324005.1, NM_001290312.1 and 17 more transcripts); c.532G>A, p.Asp178Asn (NM_001324006.1, NM_001324007.1, NM_001324008.1 and 2 more transcripts); c.778G>A, p.Asp260Asn (NM_001324011.1); c.628G>A, p.Asp210Asn (NM_001324012.1, NM_001324013.1); c.1981G>A (NM_001903.2); c.1981G>A, p.Asp661Asn (NM_001290307.3, NM_001323982.2, NM_001323983.1 and 2 more transcripts); c.1672G>A, p.Asp558Asn (NM_001290309.3); c.1612G>A, p.Asp538Asn (NM_001290310.3); and 1 more; short protein forms D178N, D260N, D538N, D630N, D661N, D210N, D291N, D558N.
Identifiers: ClinVar variation 1509669 (VCV001509669.7), dbSNP rs1021590336, ClinGen allele CA128220981.

ClinVar aggregate classification (germline): Uncertain significance. Review status: criteria provided, multiple submitters, no conflicts (2 of 4 stars). 2 submissions from 2 submitters: Uncertain significance (2). Last evaluated 2024-07-09.

Conditions:
Hereditary cancer-predisposing syndrome. Also called: Hereditary neoplastic syndrome; Neoplastic Syndromes, Hereditary; Tumor predisposition; Hereditary Cancer Syndrome. Identifiers: Orphanet 140162, MedGen C0027672, MeSH D009386, MONDO:0015356.

gnomAD v4.1: 2 of 1,607,218 alleles (0.00012%); highest among the groups gnomAD compares: East Asian, 0.0022%; no homozygotes.

Submissions (2):

Labcorp Genetics (formerly Invitae), Labcorp
Classification: Uncertain significance. Last evaluated: 2024-07-09. Review status: criteria provided, single submitter. Criteria: Invitae Variant Classification Sherloc (09022015). Collection method: clinical testing. Allele origin: germline.
Comment: This sequence change replaces aspartic acid, which is acidic and polar, with asparagine, which is neutral and polar, at codon 661 of the CTNNA1 protein (p.Asp661Asn). This variant is not present in population databases (gnomAD no frequency). This variant has not been reported in the literature in individuals affected with CTNNA1-related conditions. ClinVar contains an entry for this variant (Variation ID: 1509669). An algorithm developed to predict the effect of missense changes on protein structure and function (PolyPhen-2) suggests that this variant is likely to be tolerated. In summary, the available evidence is currently insufficient to determine the role of this variant in disease. Therefore, it has been classified as a Variant of Uncertain Significance.

Ambry Genetics
Classification: Uncertain significance for Hereditary cancer-predisposing syndrome. Last evaluated: 2023-02-12. Review status: criteria provided, single submitter. Criteria: Ambry Variant Classification Scheme 2023. Collection method: clinical testing. Allele origin: germline.
Comment: The p.D661N variant (also known as c.1981G>A), located in coding exon 13 of the CTNNA1 gene, results from a G to A substitution at nucleotide position 1981. The aspartic acid at codon 661 is replaced by asparagine, an amino acid with highly similar properties. This amino acid position is conserved. In addition, this alteration is predicted to be tolerated by in silico analysis. Since supporting evidence is limited at this time, the clinical significance of this alteration remains unclear.